The following is an entry in ClinVar:

NM_033225.6(CSMD1):c.3169A>G (p.Ile1057Val)

Gene: CSMD1 (CUB and Sushi multiple domains 1; minus strand). Cytogenetic location: 8p23.2.
Variant type: single nucleotide variant.
Coding change: c.3169A>G on transcript NM_033225.6 (MANE Select); coding-DNA position 3169, A replaced by G.
Protein change: p.Ile1057Val; replaces isoleucine 1057 with valine.
Molecular consequence: missense variant.
Genome position (GRCh38, 1-based): chr8:3,359,287, T>C on the plus strand (A>G on the coding strand, the complement: CSMD1 is on the minus strand). VCF-style: chr8-3359287-T-C. GRCh37 (hg19) VCF-style: chr8-3216809-T-C.
Other names: short protein forms I1057V.
Identifiers: ClinVar variation 2388079 (VCV002388079.26), dbSNP rs143951764, ClinGen allele CA4607958.

ClinVar aggregate classification (germline): Conflicting classifications of pathogenicity. Review status: criteria provided, conflicting classifications (1 of 4 stars). 2 submissions from 2 submitters: Uncertain significance (1); Likely benign (1). Last evaluated 2023-06-01.

Allele frequency attached by ClinVar (database versions not stated): gnomAD 0.00034; ESP Exome Variant Server 0.00038; TOPMed 0.00042; 1000 Genomes Project 30x 0.00047; 1000 Genomes Project 0.00060; ExAC 0.00084.
gnomAD v4.1: 864 of 1,613,836 alleles (0.054%); highest among the groups gnomAD compares: Admixed American, 0.11%; 2 homozygotes.

Submissions (2):

CeGaT Center for Human Genetics Tuebingen
Classification: Likely benign. Last evaluated: 2023-06-01. Review status: criteria provided, single submitter. Criteria: CeGaT Center For Human Genetics Tuebingen Variant Classification Criteria Version 2. Collection method: clinical testing. Allele origin: germline. Affected: yes. Observed: 1 variant allele.
Comment: CSMD1: BP4

Ambry Genetics
Classification: Uncertain significance. Last evaluated: 2022-02-03. Review status: criteria provided, single submitter. Criteria: Ambry Variant Classification Scheme 2023. Collection method: clinical testing. Allele origin: germline.